The following is an entry in ClinVar:

NM_020928.2(ZSWIM6):c.2788G>T (p.Val930Phe)

Gene: ZSWIM6 (zinc finger SWIM-type containing 6; plus strand). Cytogenetic location: 5q12.1.
Variant type: single nucleotide variant.
Coding change: c.2788G>T on transcript NM_020928.2 (MANE Select); coding-DNA position 2788, G replaced by T.
Protein change: p.Val930Phe; replaces valine 930 with phenylalanine.
Molecular consequence: missense variant.
Genome position (GRCh38, 1-based): chr5:61,543,457, G>T. VCF-style: chr5-61543457-G-T. GRCh37 (hg19) VCF-style: chr5-60839284-G-T.
Other names: c.2788G>T (NM_020928.1); short protein forms V930F.
Identifiers: ClinVar variation 2898896 (VCV002898896.5), dbSNP rs748023376, ClinGen allele CA359946161.

ClinVar aggregate classification (germline): Uncertain significance. Review status: criteria provided, multiple submitters, no conflicts (2 of 4 stars). 3 submissions from 3 submitters: Uncertain significance (3). Last evaluated 2025-03-23.

Conditions:
Inborn genetic diseases. Identifiers: MedGen C0950123, MeSH D030342.

gnomAD v4.1: 5 of 1,548,394 alleles (0.00032%); highest among the groups gnomAD compares: Admixed American, 0.002%; no homozygotes.

Submissions (3):

Ambry Genetics
Classification: Uncertain significance for Inborn genetic diseases. Last evaluated: 2025-03-23. Review status: criteria provided, single submitter. Criteria: Ambry Variant Classification Scheme 2023. Collection method: clinical testing. Allele origin: germline.

Women's Health and Genetics/Laboratory Corporation of America, LabCorp
Classification: Uncertain significance. Last evaluated: 2024-12-04. Review status: criteria provided, single submitter. Criteria: LabCorp Variant Classification Summary - May 2015. Collection method: clinical testing. Allele origin: germline.
Comment: Variant summary: ZSWIM6 c.2788G>T (p.Val930Phe) results in a non-conservative amino acid change in the encoded protein sequence. Three of five in-silico tools predict a damaging effect of the variant on protein function. Consensus agreement among computation tools predict no significant impact on normal splicing. However, these predictions have yet to be confirmed by functional studies. The variant allele was found at a frequency of 6.5e-06 in 154334 control chromosomes. The available data on variant occurrences in the general population are insufficient to allow any conclusion about variant significance. To our knowledge, no occurrence of c.2788G>T in individuals affected with ZSWIM6-Related Disorders and no experimental evidence demonstrating its impact on protein function have been reported. No submitters have cited clinical-significance assessments for this variant to ClinVar. Based on the evidence outlined above, the variant was classified as uncertain significance.

Labcorp Genetics (formerly Invitae), Labcorp
Classification: Uncertain significance. Last evaluated: 2023-12-23. Review status: criteria provided, single submitter. Criteria: Invitae Variant Classification Sherloc (09022015). Collection method: clinical testing. Allele origin: germline.
Comment: This sequence change replaces valine, which is neutral and non-polar, with phenylalanine, which is neutral and non-polar, at codon 930 of the ZSWIM6 protein (p.Val930Phe). The frequency data for this variant in the population databases is considered unreliable, as metrics indicate poor data quality at this position in the gnomAD database. This variant has not been reported in the literature in individuals affected with ZSWIM6-related conditions. An algorithm developed to predict the effect of missense changes on protein structure and function (PolyPhen-2) suggests that this variant is likely to be disruptive. In summary, the available evidence is currently insufficient to determine the role of this variant in disease. Therefore, it has been classified as a Variant of Uncertain Significance.